The following is an entry in ClinVar:

NM_000038.6(APC):c.147dup (p.Gln50fs)

Gene: APC (APC regulator of Wnt signaling pathway; plus strand). Cytogenetic location: 5q22.2.
Variant type: Duplication.
Coding change: c.147dup on transcript NM_000038.6 (MANE Select); coding-DNA position 147, one base duplicated (A; older notation c.147dupA).
Protein change: p.Gln50fs; shifts the reading frame from glutamine 50.
Molecular consequence: frameshift variant. On other transcripts: 5 prime UTR variant (8), non-coding transcript variant (2).
Genome position (GRCh38, 1-based): chr5:112,766,337, A duplicated; the last of 3 consecutive A bases (chr5:112,766,335-112,766,337); duplicating any one gives the same sequence. VCF-style (leftmost placement, unchanged base first): chr5-112766334-T-TA. GRCh37 (hg19) VCF-style: chr5-112102031-T-TA.
Other names: c.147dupA (NM_000038.5); c.147dup, p.Gln50fs (NM_001127510.3, NM_001354895.2, NM_001354896.2 and 16 more transcripts); c.177dup, p.Gln60fs (NM_001127511.3, NM_001354897.2, NM_001354902.2 and 1 more transcripts); c.72dup, p.Gln25fs (NM_001354898.2, NM_001354904.2, NM_001407451.1); c.-31dup (NM_001354900.2, NM_001354901.2, NM_001354905.2 and 1 more transcripts); c.-889dup (NM_001354906.2, NM_001407470.1, NM_001407471.1 and 1 more transcripts); short protein forms Q25fs, Q60fs, Q50fs.
Identifiers: ClinVar variation 2991383 (VCV002991383.4), dbSNP rs2149783845, ClinGen allele CA645546022.

ClinVar aggregate classification (germline): Pathogenic. Review status: criteria provided, multiple submitters, no conflicts (2 of 4 stars). 2 submissions from 2 submitters: Pathogenic (2). Last evaluated 2025-08-15.

Conditions:
Familial adenomatous polyposis 1 (FAP1). Also called: FAMILIAL ADENOMATOUS POLYPOSIS 1, ATTENUATED; POLYPOSIS, ADENOMATOUS INTESTINAL. Identifiers: MedGen C2713442, MONDO:0021056, OMIM 175100. Disease mechanism: loss of function.
Hereditary cancer-predisposing syndrome. Also called: Hereditary Cancer Syndrome; Hereditary neoplastic syndrome; Neoplastic Syndromes, Hereditary; Tumor predisposition. Identifiers: Orphanet 140162, MedGen C0027672, MeSH D009386, MONDO:0015356.

Submissions (2):

Ambry Genetics
Classification: Pathogenic for Hereditary cancer-predisposing syndrome. Last evaluated: 2025-08-15. Review status: criteria provided, single submitter. Criteria: Ambry Variant Classification Scheme 2023. Collection method: clinical testing. Allele origin: germline.
Comment: The c.147dupA pathogenic mutation, located in coding exon 2 of the APC gene, results from a duplication of A at nucleotide position 147, causing a translational frameshift with a predicted alternate stop codon (p.Q50Tfs*7). Premature termination codons are typically deleterious in nature. This variant was reported in individual(s) with features consistent with APC-related familial adenomatous polyposis (Ambry internal data). This variant is considered to be rare based on population cohorts in the Genome Aggregation Database (gnomAD). As such, this alteration is classified as a disease-causing mutation. However, alterations that result in premature termination in coding exon 2 are associated with an attenuated phenotype and may have reduced penetrance compared to classic familial adenomatous polyposis syndrome. Clinical correlation is advised.

Labcorp Genetics (formerly Invitae), Labcorp
Classification: Pathogenic for Familial adenomatous polyposis 1. Last evaluated: 2023-07-13. Review status: criteria provided, single submitter. Criteria: Invitae Variant Classification Sherloc (09022015). Collection method: clinical testing. Allele origin: germline.
Comment: For these reasons, this variant has been classified as Pathogenic. This variant has not been reported in the literature in individuals affected with APC-related conditions. This variant is not present in population databases (gnomAD no frequency). This sequence change creates a premature translational stop signal (p.Gln50Thrfs*7) in the APC gene. It is expected to result in an absent or disrupted protein product. Loss-of-function variants in APC are known to be pathogenic (PMID: 17963004, 20685668).

Literature cited by the submitters: PubMed 17963004 (cited by Labcorp Genetics (formerly Invitae), Labcorp); PubMed 20685668 (cited by Labcorp Genetics (formerly Invitae), Labcorp).